The following is an entry in ClinVar:

NM_138927.4(SON):c.5946_5947dup (p.Arg1983fs)

Gene: SON (SON DNA and RNA binding protein; plus strand). Cytogenetic location: 21q22.11.
Variant type: Duplication.
Coding change: c.5946_5947dup on transcript NM_138927.4 (MANE Select); coding-DNA positions 5946 to 5947, 2 bases duplicated (CC; older notation c.5946_5947dupCC).
Protein change: p.Arg1983fs; shifts the reading frame from arginine 1983.
Molecular consequence: frameshift variant. On other transcripts: non-coding transcript variant (1), intron variant (1).
Genome position (GRCh38, 1-based): chr21:33,555,177-33,555,178, CC duplicated. VCF-style (leftmost placement, unchanged base first): chr21-33555176-G-GCC. GRCh37 (hg19) VCF-style: chr21-34927482-G-GCC.
Other names: c.5946_5947dup, p.Arg1983fs (NM_001291411.2, NM_032195.3); c.5946_5947dup, p.Arg1983Profs (NM_001412133.1, NM_058183.2, NM_138926.1); c.245-1979_245-1978dup (NM_001291412.3); short protein forms R1983fs.
Identifiers: ClinVar variation 2826588 (VCV002826588.3), dbSNP rs2517395064, ClinGen allele CA2739267599.

ClinVar aggregate classification (germline): Pathogenic (1 of 4 stars; one submission).

Submission:

Labcorp Genetics (formerly Invitae), Labcorp
Classification: Pathogenic. Last evaluated: 2023-01-06. Review status: criteria provided, single submitter. Criteria: Invitae Variant Classification Sherloc (09022015). Collection method: clinical testing. Allele origin: germline.
Comment: For these reasons, this variant has been classified as Pathogenic. This variant has not been reported in the literature in individuals affected with SON-related conditions. This variant is not present in population databases (gnomAD no frequency). This sequence change creates a premature translational stop signal (p.Arg1983Profs*24) in the SON gene. It is expected to result in an absent or disrupted protein product. Loss-of-function variants in SON are known to be pathogenic (PMID: 27545676, 27545680).

Literature cited by the submitters: PubMed 27545676; PubMed 27545680.